The following is an entry in ClinVar:

ClinVar aggregate classification (germline): Uncertain significance (1 of 4 stars; one submission).

Conditions:
Gastrointestinal stromal tumor. Also called: Gastrointestinal stromal tumor, somatic; Gastrointestinal stroma tumor. Identifiers: Orphanet 44890, MedGen C0238198, MeSH D046152, MONDO:0011719, OMIM 606764, HP:0100723.

Submission:

Labcorp Genetics (formerly Invitae), Labcorp
Classification: Uncertain significance for Gastrointestinal stroma tumor. Last evaluated: 2018-11-21. Review status: criteria provided, single submitter. Criteria: Invitae Variant Classification Sherloc (09022015). Collection method: clinical testing. Allele origin: germline.
Comment: This sequence change replaces alanine with valine at codon 115 of the KIT protein (p.Ala115Val). The alanine residue is moderately conserved and there is a small physicochemical difference between alanine and valine. This variant is not present in population databases (ExAC no frequency). This variant has not been reported in the literature in individuals with KIT-related disease. Algorithms developed to predict the effect of missense changes on protein structure and function (SIFT, PolyPhen-2, Align-GVGD) all suggest that this variant is likely to be tolerated, but these predictions have not been confirmed by published functional studies and their clinical significance is uncertain. In summary, the available evidence is currently insufficient to determine the role of this variant in disease. Therefore, it has been classified as a Variant of Uncertain Significance.

NM_000222.3(KIT):c.344C>T (p.Ala115Val)

Gene: KIT (KIT proto-oncogene, receptor tyrosine kinase; plus strand). Cytogenetic location: 4q12.
Variant type: single nucleotide variant.
Coding change: c.344C>T on transcript NM_000222.3 (MANE Select); coding-DNA position 344, C replaced by T.
Protein change: p.Ala115Val; replaces alanine 115 with valine.
Molecular consequence: missense variant.
Genome position (GRCh38, 1-based): chr4:54,698,290, C>T. VCF-style: chr4-54698290-C-T. GRCh37 (hg19) VCF-style: chr4-55564456-C-T.
Other names: c.344C>T, p.Ala115Val (NM_001093772.2, NM_001385284.1, NM_001385285.1 and 4 more transcripts); short protein forms A115V.
Identifiers: ClinVar variation 648218 (VCV000648218.1), dbSNP rs1577956572, ClinGen allele CA356897387.
Genomic context (GRCh38, chr4:54,698,290, plus strand): 5'-TTCAGTGTCTGTGACCAGCCATTCCAACTACTGATTTTGGATATGCTTCTATAGATCCTG[C>T]CAAGCTTTTCCTTGTTGACCGCTCCTTGTATGGGAAAGAAGACAACGACACGCTGGTCCG-3'
Protein context (NP_000213.1, residues 105-125): NSIYVFVRDP[Ala115Val]KLFLVDRSLY